The following is an entry in ClinVar:

NM_020207.7(ERCC6L2):c.2474_2484delinsAAAG (p.Thr825fs)

Gene: ERCC6L2 (ERCC excision repair 6 like 2; plus strand). Cytogenetic location: 9q22.32.
Variant type: Indel.
Coding change: c.2474_2484delinsAAAG on transcript NM_020207.7 (MANE Select); coding-DNA positions 2474 to 2484, CATGCCTTTCA replaced by AAAG.
Protein change: p.Thr825fs; shifts the reading frame from threonine 825.
Molecular consequence: frameshift variant. On other transcripts: non-coding transcript variant (1).
Genome position (GRCh38, 1-based): chr9:95,972,225-95,972,235, CATGCCTTTCA replaced by AAAG. VCF-style: chr9-95972225-CATGCCTTTCA-AAAG. GRCh37 (hg19) VCF-style: chr9-98734507-CATGCCTTTCA-AAAG.
Other names: c.2474_2484delCATGCCTTTCAinsAAAG (NM_020207.7); c.2474_2484delinsAAAG, p.Thr825fs (NM_001375291.1, NM_001375292.1, NM_001375293.1 and 1 more transcripts); short protein forms T825fs.
Identifiers: ClinVar variation 1174159 (VCV001174159.3), dbSNP rs2133079257, ClinGen allele CA2499220099.

ClinVar aggregate classification (germline): Likely pathogenic. Review status: criteria provided, multiple submitters, no conflicts (2 of 4 stars). 2 submissions from 2 submitters: Likely pathogenic (2). Last evaluated 2021-05-11.

Conditions:
Thrombocytopenia. Identifiers: MedGen C0040034, MeSH D013921, MONDO:0002049, HP:0001873.
ERCC6L2-related disorders.

Submissions (2):

Bone Marrow Failure laboratory, Queen Mary University London
Classification: Likely pathogenic for Thrombocytopenia. Last evaluated: 2021-05-11. Review status: criteria provided, single submitter. Criteria: ACMG Guidelines, 2015. Collection method: research. Allele origin: unknown. Affected: yes.
Comment: The following ACMG/AMP criteria were used: PVS1, PM2 and PP3.

Blueprint Genetics
Classification: Likely pathogenic for ERCC6L2-related disorders. Last evaluated: 2021-01-07. Review status: criteria provided, single submitter. Criteria: ACMG Guidelines, 2015. Collection method: clinical testing. Allele origin: germline. Affected: yes. Observed: 3 variant alleles.